The following is an entry in ClinVar:

ClinVar aggregate classification (germline): Uncertain significance. Review status: criteria provided, multiple submitters, no conflicts (2 of 4 stars). 2 submissions from 2 submitters: Uncertain significance (2). Last evaluated 2024-04-29.

Conditions:
Epilepsy, familial adult myoclonic, 5 (EPEO5). Also called: CORTICAL MYOCLONIC TREMOR WITH EPILEPSY, FAMILIAL, 5. Identifiers: Orphanet 86814, MedGen C3809374, MONDO:0014167, OMIM 615400.

Allele frequency attached by ClinVar (database versions not stated): ExAC 0.00001; TOPMed 0.00001; gnomAD 0.00002; gnomAD exomes 0.00003 and 0.00005.
gnomAD v4.1: 73 of 1,613,258 alleles (0.0045%); highest among the groups gnomAD compares: Non-Finnish European, 0.006%; no homozygotes.

Submissions (2):

Labcorp Genetics (formerly Invitae), Labcorp
Classification: Uncertain significance for Epilepsy, familial adult myoclonic, 5. Last evaluated: 2024-04-29. Review status: criteria provided, single submitter. Criteria: Invitae Variant Classification Sherloc (09022015). Collection method: clinical testing. Allele origin: germline.
Comment: This sequence change replaces methionine, which is neutral and non-polar, with threonine, which is neutral and polar, at codon 734 of the CNTN2 protein (p.Met734Thr). This variant is present in population databases (rs749174452, gnomAD 0.006%). This variant has not been reported in the literature in individuals affected with CNTN2-related conditions. ClinVar contains an entry for this variant (Variation ID: 1426505). Advanced modeling of protein sequence and biophysical properties (such as structural, functional, and spatial information, amino acid conservation, physicochemical variation, residue mobility, and thermodynamic stability) performed at Invitae indicates that this missense variant is not expected to disrupt CNTN2 protein function with a negative predictive value of 95%. In summary, the available evidence is currently insufficient to determine the role of this variant in disease. Therefore, it has been classified as a Variant of Uncertain Significance.

Ambry Genetics
Classification: Uncertain significance. Last evaluated: 2023-11-14. Review status: criteria provided, single submitter. Criteria: Ambry Variant Classification Scheme 2023. Collection method: clinical testing. Allele origin: germline.

NM_005076.5(CNTN2):c.2201T>C (p.Met734Thr)

Gene: CNTN2 (contactin 2; plus strand). Cytogenetic location: 1q32.1.
Variant type: single nucleotide variant.
Coding change: c.2201T>C on transcript NM_005076.5 (MANE Select); coding-DNA position 2201, T replaced by C.
Protein change: p.Met734Thr; replaces methionine 734 with threonine.
Molecular consequence: missense variant.
Genome position (GRCh38, 1-based): chr1:205,069,831, T>C. VCF-style: chr1-205069831-T-C. GRCh37 (hg19) VCF-style: chr1-205038959-T-C.
Other names: c.2201T>C (NM_005076.3); c.2201T>C, p.Met734Thr (NM_001346083.2); short protein forms M734T.
Identifiers: ClinVar variation 1426505 (VCV001426505.7), dbSNP rs749174452, ClinGen allele CA1351638.
Genomic context (GRCh38, chr1:205,069,831, plus strand): 5'-AACGGGCAGGGACACATGCCGCGGACCCTCGCCCATGCCATGCTCTTGCCCCTCAGCCCA[T>C]GTCACGGGAGTACCAGAACGGAGACGGCTTCGGCTACCTGCTGTCCTTCCGCAGGCAGGG-3'
Protein context (NP_005067.1, residues 724-744): PGELIVNWTP[Met734Thr]SREYQNGDGF